The following is an entry in ClinVar:

ClinVar aggregate classification (germline): Benign. Review status: criteria provided, multiple submitters, no conflicts (2 of 4 stars). 2 submissions from 2 submitters: Benign (2). Last evaluated 2018-01-13.

Conditions:
Cone-rod dystrophy 5 (CORD5). Identifiers: Orphanet 1872, MedGen C1832976, MONDO:0010969, OMIM 600977.

Allele frequency attached by ClinVar (database versions not stated): gnomAD 0.07245 and 0.07671; TOPMed 0.07524; 1000 Genomes Project 0.08886; gnomAD exomes 0.14286.
gnomAD v4.1: 10,031 of 138,944 alleles (7.2%); highest among the groups gnomAD compares: African/African-American, 20%; 662 homozygotes.

Submissions (2):

Illumina Laboratory Services, Illumina
Classification: Benign for Cone-rod dystrophy 5. Last evaluated: 2018-01-13. Review status: criteria provided, single submitter. Criteria: ICSL Variant Classification Criteria 13 December 2019. Collection method: clinical testing. Allele origin: germline.
Comment: This variant was observed in the ICSL laboratory as part of a predisposition screen in an ostensibly healthy population. It had not been previously curated by ICSL or reported in the Human Gene Mutation Database (HGMD: prior to June 1st, 2018), and was therefore a candidate for classification through an automated scoring system. Utilizing variant allele frequency, disease prevalence and penetrance estimates, and inheritance mode, an automated score was calculated to assess if this variant is too frequent to cause the disease. Based on the score and internal cut-off values, a variant classified as benign is not then subjected to further curation. The score for this variant resulted in a classification of benign for this disease.

Breakthrough Genomics
Classification: Benign. Review status: criteria provided, single submitter. Criteria: ACMG Guidelines, 2015. Collection method: not provided. Allele origin: germline. Inheritance: Autosomal dominant inheritance. Affected: yes.

NM_031220.4(PITPNM3):c.*2203G>A

Gene: PITPNM3 (PITPNM family member 3; minus strand). Cytogenetic location: 17p13.2.
Variant type: single nucleotide variant.
Coding change: c.*2203G>A on transcript NM_031220.4 (MANE Select); 2203 bases downstream of the stop codon, G replaced by A.
Molecular consequence: 3 prime UTR variant.
Genome position (GRCh38, 1-based): chr17:6,453,135, C>T on the plus strand (G>A on the coding strand, the complement: PITPNM3 is on the minus strand). VCF-style: chr17-6453135-C-T. GRCh37 (hg19) VCF-style: chr17-6356455-C-T.
Other names: c.*2203G>A (NM_001165966.2).
Identifiers: ClinVar variation 324710 (VCV000324710.6), dbSNP rs28593105, ClinGen allele CA10650706.